The following continues an entry in ClinVar:

NM_000350.3(ABCA4):c.6658C>T (p.Gln2220Ter)

Gene: ABCA4. ClinVar aggregate classification (germline): Pathogenic. Pathogenic (1).

Submissions 14 to 20 of 20:

Institute of Human Genetics, Univ. Regensburg, Univ. Regensburg
Classification: Pathogenic for Severe early-childhood-onset retinal dystrophy. Last evaluated: 2016-01-01. Review status: criteria provided, single submitter. Criteria: Schulz et al. (Invest Ophthalmol Vis Sci. 2017). Collection method: clinical testing. Allele origin: germline. Affected: yes. Observed: 1 heterozygote. Not counted in ClinVar's aggregate classification.

Arcensus
Classification: Likely pathogenic for Severe early-childhood-onset retinal dystrophy. Last evaluated: 2013-02-01. Review status: criteria provided, single submitter. Criteria: ACMG Guidelines, 2015. Collection method: clinical testing. Allele origin: germline. Affected: yes. Not counted in ClinVar's aggregate classification.

Genomics England Pilot Project, Genomics England
Classification: Pathogenic for Retinitis pigmentosa 19. Review status: criteria provided, single submitter. Criteria: ACGS Guidelines, 2016. Collection method: clinical testing. Allele origin: germline. Affected: yes. Not counted in ClinVar's aggregate classification.

Neuberg Centre For Genomic Medicine, NCGM
Classification: Pathogenic for Severe early-childhood-onset retinal dystrophy. Review status: criteria provided, single submitter. Criteria: ACMG Guidelines, 2015. Collection method: clinical testing. Allele origin: germline. Inheritance: Autosomal recessive inheritance. Affected: yes. Not counted in ClinVar's aggregate classification.
Comment: The stop gained c.6658C>T(p.Gln2220Ter) variant in ABCA4 gene has been reported in homozygous/compound heterozygous state in multiple patients affected with Retinal dystrophy or ABCA4 related disorders (Khan et. al., 2013; Maggi et. al., 2021; Shanks et. al., 2013). The observed variant has been reported with alllele frequency of 0.005% in gnomAD exomes database. This variant has been reported to the ClinVar database as Likely Pathogenic / Pathogenic (multiple submitters). The nucleotide change c.6658C>T in ABCA4 is predicted as conserved by GERP++ and PhyloP across 100 vertebrates. This variant is predicted to cause loss of normal protein function through protein truncation. Loss of function variants have been previously reported to be disease causing. For these reasons, this variant has been classified as Pathogenic.

NIHR Bioresource Rare Diseases, University of Cambridge
Classification: Pathogenic. Last evaluated: 2015-01-01. Review status: no assertion criteria provided. Collection method: research. Allele origin: unknown. Affected: yes. Observed: 2 variant alleles. Not counted in ClinVar's aggregate classification.

NIHR Bioresource Rare Diseases, University of Cambridge
Classification: Pathogenic for Cone-rod dystrophy. Last evaluated: 2015-01-01. Review status: no assertion criteria provided. Collection method: research. Allele origin: unknown. Affected: yes. Observed: 1 variant allele. Not counted in ClinVar's aggregate classification.

Retina International
No classification provided. Review status: no classification provided. Collection method: not provided. Allele origin: not provided. Not counted in ClinVar's aggregate classification.

Literature cited by the submitters: PubMed 10958761 (cited by 6 submitters); PubMed 24938718 (cited by Variantyx, Inc. and Labcorp Genetics (formerly Invitae), Labcorp); PubMed 25312043 (cited by Variantyx, Inc. and Labcorp Genetics (formerly Invitae), Labcorp); PubMed 26780318 (cited by Variantyx, Inc. and Labcorp Genetics (formerly Invitae), Labcorp); PubMed 22968130 (cited by 3 submitters); PubMed 23134348 (cited by Variantyx, Inc. and Institute of Human Genetics, Univ. Regensburg, Univ. Regensburg); PubMed 28041643 (cited by 3 submitters); PubMed 28341476 (cited by Labcorp Genetics (formerly Invitae), Labcorp and Institute of Human Genetics, Univ. Regensburg, Univ. Regensburg); PubMed 28118664 (cited by Ophthalmic Genetics Group, Institute of Molecular and Clinical Ophthalmology Basel and Institute of Human Genetics, Univ. Regensburg, Univ. Regensburg); PubMed 40180963 (cited by Ophthalmic Genetics Group, Institute of Molecular and Clinical Ophthalmology Basel); PubMed 25525159 (cited by Institute of Human Genetics, Univ. Regensburg, Univ. Regensburg); PubMed 31964843 (cited by Institute of Human Genetics, Univ. Regensburg, Univ. Regensburg); PubMed 31429209 (cited by Institute of Human Genetics, Univ. Regensburg, Univ. Regensburg); PubMed 32307445 (cited by Institute of Human Genetics, Univ. Regensburg, Univ. Regensburg); PubMed 32581362 (cited by Institute of Human Genetics, Univ. Regensburg, Univ. Regensburg); PubMed 31816670 (cited by Institute of Human Genetics, Univ. Regensburg, Univ. Regensburg); PubMed 33749171 (cited by Institute of Human Genetics, Univ. Regensburg, Univ. Regensburg); PubMed 34758253 (cited by Institute of Human Genetics, Univ. Regensburg, Univ. Regensburg); PubMed 36460718 (cited by Institute of Human Genetics, Univ. Regensburg, Univ. Regensburg); PubMed 35456422 (cited by Institute of Human Genetics, Univ. Regensburg, Univ. Regensburg); PubMed 36819107 (cited by Institute of Human Genetics, Univ. Regensburg, Univ. Regensburg).